The following is an entry in ClinVar:

Conditions:
Long QT syndrome 5 (LQT5). Identifiers: Orphanet 101016, Orphanet 768, MedGen C1867904, MONDO:0013372, OMIM 613695.

Submission:

Roden Lab, Vanderbilt University Medical Center
No classification provided (evidence only). Condition: Long QT syndrome 5. Review status: no classification provided. Collection method: in vitro. Allele origin: not applicable. Functional consequence: Effect on ion channel function.
ClinVar note: "not provided" was previously submitted as the classification for the variant. However, the classification appeared to be based only on an observation of functional data so it was converted to no classification on 2025-07-30.

NM_000219.6(KCNE1):c.248A>T (p.Glu83Val)

Gene: KCNE1 (potassium voltage-gated channel subfamily E regulatory subunit 1; minus strand). Cytogenetic location: 21q22.12.
Variant type: single nucleotide variant.
Coding change: c.248A>T on transcript NM_000219.6 (MANE Select); coding-DNA position 248, A replaced by T.
Protein change: p.Glu83Val; replaces glutamic acid 83 with valine.
Molecular consequence: missense variant.
Genome position (GRCh38, 1-based): chr21:34,449,387, T>A on the plus strand (A>T on the coding strand, the complement: KCNE1 is on the minus strand). VCF-style: chr21-34449387-T-A. GRCh37 (hg19) VCF-style: chr21-35821685-T-A.
Other names: c.248A>T, p.Glu83Val (NM_001127668.4, NM_001127669.4, NM_001127670.4 and 4 more transcripts); short protein forms E83V.
Identifiers: ClinVar variation 3374433 (VCV003374433.2).